The following is an entry in ClinVar:

ClinVar aggregate classification (germline): Uncertain significance. Review status: criteria provided, multiple submitters, no conflicts (2 of 4 stars). 2 submissions from 2 submitters: Uncertain significance (2). Last evaluated 2024-02-22.

Conditions:
Arrhythmogenic right ventricular cardiomyopathy (ARVD). Also called: Arrhythmogenic cardiomyopathy; Cardiomyopathy, ARVC; Arrhythmogenic right ventricular dysplasia; Arrhythmogenic Right Ventricular Cardiomyopathy (ARVC). Identifiers: Orphanet 247, MedGen C0349788, MeSH D019571, MONDO:0016587. Disease mechanism: loss of function. Inheritance: Various modes of inheritance.
Cardiomyopathy (CMYO). Also called: Cardiomyopathies. Identifiers: Orphanet 167848, MedGen C0878544, MONDO:0004994, HP:0001638. Inheritance: Various modes of inheritance.

Submissions (2):

All of Us Research Program, National Institutes of Health
Classification: Uncertain significance for Arrhythmogenic right ventricular cardiomyopathy. Last evaluated: 2024-02-22. Review status: criteria provided, single submitter. Criteria: ACMG Guidelines, 2015. Collection method: clinical testing. Allele origin: germline. Inheritance: Autosomal dominant inheritance. Observed: 1 variant allele, 1 heterozygote.
Comment: Variant of Uncertain Significance due to insufficient evidence: This missense variant is located in the extracellular cadherin domain 3 of the DSG2 protein. Computational prediction tools and conservation analyses suggest that this variant may not impact the protein function. Computational splicing tools suggest that this variant may not impact RNA splicing. To our knowledge, functional assays have not been performed for this variant nor has this variant been reported in individuals affected with cardiovascular disorders in the literature. This variant is rare in the general population and has been identified in 0/277264 chromosomes by the Genome Aggregation Database (gnomAD). Available evidence is insufficient to determine the role of this variant in disease conclusively.

This study involves interpretation of variants in research participants for the purpose of population health screening. Participant phenotype was not available at the time of variant classification. Additional details can be found in publication PMID: 35346344, PMCID: PMC8962531

Color Diagnostics, LLC DBA Color Health
Classification: Uncertain significance for Cardiomyopathy. Last evaluated: 2023-12-05. Review status: criteria provided, single submitter. Criteria: ACMG Guidelines, 2015. Collection method: clinical testing. Allele origin: germline.
Comment: Variant of Uncertain Significance due to insufficient evidence: This missense variant is located in the extracellular cadherin domain 3 of the DSG2 protein. Computational prediction tools and conservation analyses suggest that this variant may not impact the protein function. Computational splicing tools suggest that this variant may not impact RNA splicing. To our knowledge, functional assays have not been performed for this variant nor has this variant been reported in individuals affected with cardiovascular disorders in the literature. This variant is rare in the general population and has been identified in 0/277264 chromosomes by the Genome Aggregation Database (gnomAD). Available evidence is insufficient to determine the role of this variant in disease conclusively.

NM_001943.5(DSG2):c.838A>C (p.Met280Leu)

Gene: DSG2 (desmoglein 2; plus strand). Cytogenetic location: 18q12.1.
Variant type: single nucleotide variant.
Coding change: c.838A>C on transcript NM_001943.5 (MANE Select); coding-DNA position 838, A replaced by C.
Protein change: p.Met280Leu; replaces methionine 280 with leucine.
Molecular consequence: missense variant.
Genome position (GRCh38, 1-based): chr18:31,524,712, A>C. VCF-style: chr18-31524712-A-C. GRCh37 (hg19) VCF-style: chr18-29104675-A-C.
Other names: short protein forms M280L.
Identifiers: ClinVar variation 927864 (VCV000927864.6), dbSNP rs2073150960, ClinGen allele CA402135389.